The following continues an entry in ClinVar:

NM_000492.4(CFTR):c.1652G>A (p.Gly551Asp)

ClinVar aggregate classification (germline): Pathogenic. Pathogenic (1).

Submissions 11 to 28 of 36:

ARUP Laboratories, Molecular Genetics and Genomics, ARUP Laboratories
Classification: Pathogenic for Cystic fibrosis. Last evaluated: 2025-06-09. Review status: criteria provided, single submitter. Criteria: ARUP Molecular Germline Variant Investigation Process 2024. Collection method: clinical testing. Allele origin: germline. Not counted in ClinVar's aggregate classification.
Comment: The CFTR c.1652G>A; p.Gly551Asp variant (rs75527207, ClinVar Variation ID: 7120), is the third-most common pathogenic CFTR variant (Sosnay 2013, CFTR2 database). It is associated with pancreatic insufficient forms of cystic fibrosis (Cutting 1990, Kerem 1990), with the variant protein showing defects in chloride transport (Sosnay 2013). This variant is considered to cause cystic fibrosis when identified with another pathogenic variant on the opposite chromosome. References: CFTR2 database: Cutting G et al. A cluster of cystic fibrosis mutations in the first nucleotide-binding fold of the cystic fibrosis conductance regulator protein. Nature. 1990; 346(6282):366-9. PMID: 1695717 Kerem B et al. Identification of mutations in regions corresponding to the two putative nucleotide (ATP)-binding folds of the cystic fibrosis gene. Proc Natl Acad Sci U S A. 1990; 87(21):8447-51. PMID: 2236053 Sosnay PR et al. Defining the disease liability of variants in the cystic fibrosis transmembrane conductance regulator gene. Nat Genet. 2013; 45(10):1160-7. PMID: 23974870

Ambry Genetics
Classification: Pathogenic for Cystic fibrosis. Last evaluated: 2025-01-12. Review status: criteria provided, single submitter. Criteria: Ambry Variant Classification Scheme 2023. Collection method: clinical testing. Allele origin: germline. Not counted in ClinVar's aggregate classification.
Comment: The p.G551D pathogenic mutation (also known as c.1652G>A), located in coding exon 12 of the CFTR gene, results from a G to A substitution at nucleotide position 1652. The glycine at codon 551 is replaced by aspartic acid, an amino acid with similar properties. This pathogenic mutation was first reported in Caucasian individuals with pulmonary disease and pancreatic insufficiency (Cutting GR et al. Nature, 1990 Jul;346:366-9). Furthermore, this mutation has been shown to decrease chloride channel activity compared to wild-type CFTR (Bompadre SG et al. J. Gen. Physiol., 2007 Apr;129:285-98; Raraigh KS et al. Am. J. Hum. Genet., 2018 06;102:1062-1077). Individuals compound heterozygous for this mutation and another pathogenic CFTR mutation, or homozygous individuals, exhibit clinical features of cystic fibrosis including, but not limited to: elevated sweat chloride levels, pulmonary disease, and pancreatic insufficiency (Parad RB. J. Med. Genet., 1996 Aug;33:711-3; Sosnay PR et al. Nat. Genet., 2013 Oct;45:1160-7). This amino acid position is highly conserved in available vertebrate species. In addition, this alteration is predicted to be deleterious by in silico analysis. Based on the supporting evidence, this variant is interpreted as a disease-causing mutation.

Blueprint Genetics
Classification: Pathogenic for CFTR-related disorders. Last evaluated: 2024-05-03. Review status: criteria provided, single submitter. Criteria: ACMG Guidelines, 2015. Collection method: clinical testing. Allele origin: germline. Affected: yes. Observed: 5 variant alleles. Not counted in ClinVar's aggregate classification.

Baylor Genetics
Classification: Pathogenic for Bronchiectasis with or without elevated sweat chloride 1. Last evaluated: 2024-03-25. Review status: criteria provided, single submitter. Criteria: ACMG Guidelines, 2015. Collection method: clinical testing. Allele origin: unknown. Not counted in ClinVar's aggregate classification.

Fulgent Genetics
Classification: Pathogenic for Hereditary pancreatitis; Bronchiectasis with or without elevated sweat chloride 1; Cystic fibrosis; Congenital bilateral aplasia of vas deferens from CFTR mutation. Last evaluated: 2024-02-08. Review status: criteria provided, single submitter. Criteria: ACMG Guidelines, 2015. Collection method: clinical testing. Allele origin: germline. Not counted in ClinVar's aggregate classification.

Baylor Genetics
Classification: Pathogenic for Cystic fibrosis. Last evaluated: 2023-08-21. Review status: criteria provided, single submitter. Criteria: ACMG Guidelines, 2015. Collection method: clinical testing. Allele origin: unknown. Not counted in ClinVar's aggregate classification.

Quest Diagnostics Nichols Institute San Juan Capistrano
Classification: Pathogenic. Last evaluated: 2023-04-26. Review status: criteria provided, single submitter. Criteria: Quest Diagnostics criteria. Collection method: clinical testing. Allele origin: unknown. Not counted in ClinVar's aggregate classification.
Comment: This variant has been reported in compound heterozygous individuals affected with cystic fibrosis in the published literature (PMID: 23974870 (2013), 19734299 (2009), 18456578 (2008), 9401006 (1997), 7545856 (1995), 2236053 (1990)). This variant is also associated with chronic pancreatitis and asthma (PMID: 24440239 (2014), 22324837 (2012)). Additionally, multiple studies have shown a damaging effect of this variant on CFTR protein function (PMID: 29805046 (2018), 23891399 (2014), 22293084 (2012), 18167357 (2008), 8605891 (1996)). Therefore, the variant is classified as pathogenic.

MGZ Medical Genetics Center
Classification: Pathogenic for Cystic fibrosis. Last evaluated: 2022-06-09. Review status: criteria provided, single submitter. Criteria: ACMG Guidelines, 2015. Collection method: clinical testing. Allele origin: germline. Affected: yes. Observed: 1 variant allele. Not counted in ClinVar's aggregate classification.
Comment: ACMG criteria applied: PM3_VSTR, PS3, PS4, PM2_SUP, PP1, PP3

Mayo Clinic Laboratories, Mayo Clinic
Classification: Pathogenic. Last evaluated: 2022-05-24. Review status: criteria provided, single submitter. Criteria: ACMG Guidelines, 2015. Collection method: clinical testing. Allele origin: germline. Observed: 13 variant alleles. Not counted in ClinVar's aggregate classification.

Myriad Genetics, Inc.
Classification: Pathogenic for Cystic fibrosis. Last evaluated: 2019-10-18. Review status: criteria provided, single submitter. Criteria: Myriad Women's Health Autosomal Recessive and X-Linked Classification Criteria (2019). Collection method: clinical testing. Allele origin: unknown. Not counted in ClinVar's aggregate classification.
Comment: NM_000492.3(CFTR):c.1652G>A(G551D) is classified as pathogenic in the context of cystic fibrosis. G551D is a classic cystic fibrosis variant. Sources cited for classification include the following: PMID: 23974870. Classification of NM_000492.3(CFTR):c.1652G>A(G551D) is based on the following criteria: This is a well-established pathogenic variant in the literature that has been observed more frequently in patients with clinical diagnoses than in healthy populations. Please note: this variant was assessed in the context of healthy population screening.

Genome Diagnostics Laboratory, The Hospital for Sick Children
Classification: Pathogenic for Cystic fibrosis. Last evaluated: 2019-09-06. Review status: criteria provided, single submitter. Criteria: ACMG Guidelines, 2015. Collection method: clinical testing. Allele origin: germline. Not counted in ClinVar's aggregate classification.

GeneDx
Classification: Pathogenic. Last evaluated: 2018-11-05. Review status: criteria provided, single submitter. Criteria: GeneDx Variant Classification (06012015). Collection method: clinical testing. Allele origin: germline. Affected: yes. Not counted in ClinVar's aggregate classification.
Comment: The G551D variant in the CFTR gene is a commonly reported pathogenic variant associated with classical cystic fibrosis and accounts for approximately 1.6% of pathogenic variants reported in the CFTR gene (Kerem et al., 1990; Moskowitz et al., 2008). Consistent with the increased carrier frequency for cystic fibrosis among Caucasian populations (Moskowitz et al., 2008), the NHLBI Exome Sequencing Project reports G551D was observed with a frequency of 0.21% (18/8600) alleles in individuals of European American background; no homozygotes were observed in this cohort. The G551D variant is a non-conservative amino acid substitution, which occurs at a position that is conserved across species. Functional studies indicate that G551D results in markedly impaired chloride transport activity, suggesting that G551D results in loss of CFTR chloride channel function ( Jovov et al., 1995). We interpret G551D as a pathogenic variant.

Mendelics
Classification: Pathogenic for Cystic fibrosis. Last evaluated: 2018-11-05. Review status: criteria provided, single submitter. Criteria: Mendelics Assertion Criteria 2017. Collection method: clinical testing. Allele origin: unknown. Affected: yes. Not counted in ClinVar's aggregate classification.

CFTR-France
Classification: Pathogenic for cystic fibrosis. Last evaluated: 2018-01-29. Review status: criteria provided, single submitter. Criteria: Claustres M et al. (Hum Mutat 2017). Collection method: curation. Allele origin: germline. Affected: yes. Not counted in ClinVar's aggregate classification.

Laboratory for Molecular Medicine, Mass General Brigham Personalized Medicine
Classification: Pathogenic for Cystic fibrosis. Last evaluated: 2016-02-29. Review status: criteria provided, single submitter. Criteria: LMM Criteria. Collection method: clinical testing. Allele origin: germline. Inheritance: Autosomal recessive inheritance. Observed: 2 variant alleles. Not counted in ClinVar's aggregate classification.
Comment: The p.Gly551Asp variant in CFTR has been reported in more than 500 individuals w ith CFTR-related disorders, including cystic fibrosis, congenital bilateral abse nce of vas deferens, and chronic pancreatitis (Cutting 1990, Kerem 1990, Mocanu 2010, Sosnay 2013, Muthuswany 2014). This variant has been identified in 0.03% ( 17/66338) of European chromosomes by the Exome Aggregation Consortium (ExAC; dbSNP rs75527207). Although this variant has been s een in the general population, its frequency is low enough to be consistent with a recessive carrier frequency. In vitro functional studies provide some evidenc e that the p.Gly551Asp variant may impact protein function (Teng 2012). In summa ry, this variant meets our criteria to be classified as pathogenic for CFTR-rela ted disorders based upon case data and functional evidence.

Eurofins Ntd Llc (ga)
Classification: Pathogenic. Last evaluated: 2015-12-03. Review status: criteria provided, single submitter. Criteria: EGL Classification Definitions 2015. Collection method: clinical testing. Allele origin: germline. Observed: 11 variant alleles, 11 heterozygotes. Not counted in ClinVar's aggregate classification.

HudsonAlpha Institute for Biotechnology
Classification: Pathogenic for Cystic fibrosis. Last evaluated: 2015-02-10. Review status: criteria provided, single submitter. Criteria: HA_assertions_20150911. Collection method: research. Allele origin: unknown, maternal. Observed: 3 variant alleles. Study: CSER-HudsonAlpha. Not counted in ClinVar's aggregate classification.

Baylor Genetics
Classification: Pathogenic for Congenital bilateral aplasia of vas deferens from CFTR mutation; Cystic fibrosis. Review status: criteria provided, single submitter. Criteria: ACMG Guidelines, 2015. Collection method: clinical testing. Allele origin: germline. Not counted in ClinVar's aggregate classification.